The following is an entry in ClinVar:

ClinVar aggregate classification (germline): Likely pathogenic. Review status: criteria provided, multiple submitters, no conflicts (2 of 4 stars). 2 submissions from 2 submitters: Likely pathogenic (2). Last evaluated 2026-05-05.

Conditions:
Fanconi anemia complementation group J. Also called: BRIP1-Related Fanconi Anemia. Identifiers: Orphanet 84, MedGen C1836860, MONDO:0012187, OMIM 609054.
Familial cancer of breast. Also called: Hereditary breast cancer; hereditary breast carcinoma; BREAST CANCER, FAMILIAL. Identifiers: Orphanet 227535, MedGen C0346153, MONDO:0016419, OMIM 114480. Disease mechanism: loss of function.
Familial ovarian cancer. Identifiers: MedGen C5679802, MONDO:0016248.

Allele frequency attached by ClinVar (database versions not stated): gnomAD exomes below 0.00001.
gnomAD v4.1: 1 of 1,567,072 alleles (0.000064%); highest among the groups gnomAD compares: Non-Finnish European, 0.000088%; no homozygotes.

Submissions (2):

Myriad Genetics, Inc.
Classification: Likely pathogenic for Familial ovarian cancer. Last evaluated: 2026-05-05. Review status: criteria provided, single submitter. Criteria: Myriad Autosomal Dominant, Autosomal Recessive and X-Linked Classification Criteria (2023). Collection method: clinical testing. Allele origin: unknown.
Comment: This variant is considered likely pathogenic. This variant occurs within a consensus splice junction and is predicted to result in abnormal mRNA splicing of either an out-of-frame exon or an in-frame exon necessary for protein stability and/or normal function.

Labcorp Genetics (formerly Invitae), Labcorp
Classification: Likely pathogenic for Familial cancer of breast; Fanconi anemia complementation group J. Last evaluated: 2022-03-31. Review status: criteria provided, single submitter. Criteria: Invitae Variant Classification Sherloc (09022015). Collection method: clinical testing. Allele origin: germline.
Comment: This variant is not present in population databases (gnomAD no frequency). In summary, the currently available evidence indicates that the variant is pathogenic, but additional data are needed to prove that conclusively. Therefore, this variant has been classified as Likely Pathogenic. Algorithms developed to predict the effect of sequence changes on RNA splicing suggest that this variant may disrupt the consensus splice site. This variant has not been reported in the literature in individuals affected with BRIP1-related conditions. This sequence change affects a donor splice site in intron 17 of the BRIP1 gene. It is expected to disrupt RNA splicing. Variants that disrupt the donor or acceptor splice site typically lead to a loss of protein function (PMID: 16199547), and loss-of-function variants in BRIP1 are known to be pathogenic (PMID: 16116423, 17033622, 21964575).

Literature cited by the submitters: PubMed 16199547 (cited by Labcorp Genetics (formerly Invitae), Labcorp); PubMed 16116423 (cited by Labcorp Genetics (formerly Invitae), Labcorp); PubMed 17033622 (cited by Labcorp Genetics (formerly Invitae), Labcorp); PubMed 21964575 (cited by Labcorp Genetics (formerly Invitae), Labcorp).

NM_032043.3(BRIP1):c.2492+1G>T

Gene: BRIP1 (BRCA1 interacting DNA helicase 1; minus strand). Cytogenetic location: 17q23.2.
Variant type: single nucleotide variant.
Coding change: c.2492+1G>T on transcript NM_032043.3 (MANE Select); the canonical splice donor site of the intron after coding-DNA position 2492, G replaced by T.
Molecular consequence: splice donor variant.
Genome position (GRCh38, 1-based): chr17:61,715,950, C>A on the plus strand (G>T on the coding strand, the complement: BRIP1 is on the minus strand). VCF-style: chr17-61715950-C-A. GRCh37 (hg19) VCF-style: chr17-59793311-C-A.
Identifiers: ClinVar variation 2119753 (VCV002119753.7), dbSNP rs1567755539, ClinGen allele CA400479374.
Genomic context (GRCh38, chr17:61,715,950, plus strand): 5'-ACTAGATTTATATATATAGCCCTGTCACAGATAATATTATATTAAATTTCACTCCACTTA[C>A]CTACCAAGGGCCTGGTTTAAGGCCCTGTATGCTTGAATTTCATACCACTGACGGCCAGGT-3'